The following is an entry in ClinVar:

ClinVar aggregate classification (germline): Uncertain significance (1 of 4 stars; one submission).

Conditions:
Inborn genetic diseases. Identifiers: MedGen C0950123, MeSH D030342.

Submission:

Ambry Genetics
Classification: Uncertain significance for Inborn genetic diseases. Last evaluated: 2025-12-10. Review status: criteria provided, single submitter. Criteria: Ambry Variant Classification Scheme 2023. Collection method: clinical testing. Allele origin: germline.
Comment: The p.Q514K variant (also known as c.1540C>A), located in coding exon 1 of the SAMD9 gene, results from a C to A substitution at nucleotide position 1540. The glutamine at codon 514 is replaced by lysine, an amino acid with similar properties. This amino acid position is conserved. In addition, this alteration is predicted to be tolerated by in silico analysis. Based on the available evidence, the clinical significance of this variant remains unclear.

NM_017654.4(SAMD9):c.1540C>A (p.Gln514Lys)

Gene: SAMD9 (sterile alpha motif domain containing 9; minus strand). Cytogenetic location: 7q21.2.
Variant type: single nucleotide variant.
Coding change: c.1540C>A on transcript NM_017654.4 (MANE Select); coding-DNA position 1540, C replaced by A.
Protein change: p.Gln514Lys; replaces glutamine 514 with lysine.
Molecular consequence: missense variant.
Genome position (GRCh38, 1-based): chr7:93,104,558, G>T on the plus strand (C>A on the coding strand, the complement: SAMD9 is on the minus strand). VCF-style: chr7-93104558-G-T. GRCh37 (hg19) VCF-style: chr7-92733871-G-T.
Other names: c.1540C>A, p.Gln514Lys (NM_001193307.2); short protein forms Q514K.
Identifiers: ClinVar variation 4629991 (VCV004629991.1).